The following is an entry in ClinVar:

ClinVar aggregate classification (germline): Likely benign. Review status: criteria provided, single submitter (1 of 4 stars). 2 submissions from 2 submitters: Likely benign (1). 1 of the submissions does not count toward it. Last evaluated 2026-07-01.

Conditions:
PCNT-related disorder. Also called: PCNT-related condition.

Allele frequency attached by ClinVar (database versions not stated): gnomAD 0.00001; gnomAD exomes 0.00002; ExAC 0.00005.
gnomAD v4.1: 29 of 1,612,082 alleles (0.0018%); highest among the groups gnomAD compares: East Asian, 0.0067%; no homozygotes.

Submissions (2):

CeGaT Center for Human Genetics Tuebingen
Classification: Likely benign. Last evaluated: 2026-07-01. Review status: criteria provided, single submitter. Criteria: CeGaT Center For Human Genetics Tuebingen Variant Classification Criteria Version 2. Collection method: clinical testing. Allele origin: germline. Affected: yes. Observed: 1 variant allele.
Comment: PCNT: BP4

PreventionGenetics, part of Exact Sciences
Classification: Uncertain significance for PCNT-related condition. Last evaluated: 2024-02-21. Review status: no assertion criteria provided. Collection method: clinical testing. Allele origin: germline. Not counted in ClinVar's aggregate classification.
Comment: The PCNT c.598A>G variant is predicted to result in the amino acid substitution p.Ile200Val. To our knowledge, this variant has not been reported in the literature. This variant is reported in 0.0058% of alleles in individuals of Latino descent in gnomAD. At this time, the clinical significance of this variant is uncertain due to the absence of conclusive functional and genetic evidence.

NM_006031.6(PCNT):c.598A>G (p.Ile200Val)

Gene: PCNT (pericentrin; plus strand). Cytogenetic location: 21q22.3.
Variant type: single nucleotide variant.
Coding change: c.598A>G on transcript NM_006031.6 (MANE Select); coding-DNA position 598, A replaced by G.
Protein change: p.Ile200Val; replaces isoleucine 200 with valine.
Molecular consequence: missense variant.
Genome position (GRCh38, 1-based): chr21:46,334,727, A>G. VCF-style: chr21-46334727-A-G. GRCh37 (hg19) VCF-style: chr21-47754641-A-G.
Other names: c.244A>G, p.Ile82Val (NM_001315529.2); short protein forms I200V, I82V.
Identifiers: ClinVar variation 2634084 (VCV002634084.4), dbSNP rs766375190, ClinGen allele CA10078310.